The following is an entry in ClinVar:

ClinVar aggregate classification (germline): Uncertain significance. Review status: criteria provided, multiple submitters, no conflicts (2 of 4 stars). 7 submissions from 7 submitters: Uncertain significance (7). Last evaluated 2026-01-19.

Conditions:
Hereditary nonpolyposis colorectal neoplasms. Identifiers: MedGen C0009405, MeSH D003123.
Hereditary cancer-predisposing syndrome. Also called: Tumor predisposition; Neoplastic Syndromes, Hereditary; Hereditary neoplastic syndrome; Hereditary Cancer Syndrome. Identifiers: Orphanet 140162, MedGen C0027672, MeSH D009386, MONDO:0015356.
Lynch syndrome. Identifiers: Orphanet 144, MedGen C4552100, MONDO:0005835. Disease mechanism: loss of function.

Submissions (7):

Labcorp Genetics (formerly Invitae), Labcorp
Classification: Uncertain significance for Hereditary nonpolyposis colorectal neoplasms. Last evaluated: 2026-01-19. Review status: criteria provided, single submitter. Criteria: Invitae Variant Classification Sherloc (09022015). Collection method: clinical testing. Allele origin: germline.
Comment: This sequence change replaces glutamine, which is neutral and polar, with histidine, which is basic and polar, at codon 776 of the MSH6 protein (p.Gln776His). This variant is not present in population databases (gnomAD no frequency). This variant has not been reported in the literature in individuals affected with MSH6-related conditions. ClinVar contains an entry for this variant (Variation ID: 495707). Invitae Evidence Modeling of protein sequence and biophysical properties (such as structural, functional, and spatial information, amino acid conservation, physicochemical variation, residue mobility, and thermodynamic stability) indicates that this missense variant is not expected to disrupt MSH6 protein function with a negative predictive value of 95%. In summary, the available evidence is currently insufficient to determine the role of this variant in disease. Therefore, it has been classified as a Variant of Uncertain Significance.

Quest Diagnostics Nichols Institute San Juan Capistrano
Classification: Uncertain significance. Last evaluated: 2025-02-18. Review status: criteria provided, single submitter. Criteria: Quest Diagnostics criteria. Collection method: clinical testing. Allele origin: unknown.
Comment: The MSH6 c.2328A>T (p.Gln776His) variant has not been reported in individuals with MSH6-related conditions in the published literature. It also has not been reported in large, multi-ethnic general populations (Genome Aggregation Database). Analysis of this variant using bioinformatics tools for the prediction of the effect of amino acid changes on protein structure and function yielded conflicting predictions that this variant is deleterious or benign. Based on the available information, we are unable to determine the clinical significance of this variant.

All of Us Research Program, National Institutes of Health
Classification: Uncertain significance for Lynch syndrome. Last evaluated: 2024-08-06. Review status: criteria provided, single submitter. Criteria: ACMG Guidelines, 2015. Collection method: clinical testing. Allele origin: germline. Inheritance: Autosomal dominant inheritance. Observed: 2 variant alleles, 2 heterozygotes.
Comment: This missense variant replaces glutamine with histidine at codon 776 of the MSH6 protein. Computational prediction suggests that this variant may not impact protein structure and function (internally defined REVEL score threshold <= 0.5, PMID: 27666373). To our knowledge, functional studies have not been reported for this variant. This variant has not been reported in individuals affected with hereditary cancer in the literature. This variant has not been identified in the general population by the Genome Aggregation Database (gnomAD). The available evidence is insufficient to determine the role of this variant in disease conclusively. Therefore, this variant is classified as a Variant of Uncertain Significance.

This study involves interpretation of variants in research participants for the purpose of population health screening. Participant phenotype was not available at the time of variant classification. Additional details can be found in publication PMID: 35346344, PMCID: PMC8962531

Ambry Genetics
Classification: Uncertain significance for Hereditary cancer-predisposing syndrome. Last evaluated: 2024-05-17. Review status: criteria provided, single submitter. Criteria: Ambry Variant Classification Scheme 2023. Collection method: clinical testing. Allele origin: germline.
Comment: The p.Q776H variant (also known as c.2328A>T), located in coding exon 4 of the MSH6 gene, results from an A to T substitution at nucleotide position 2328. The glutamine at codon 776 is replaced by histidine, an amino acid with highly similar properties. This amino acid position is well conserved in available vertebrate species. In addition, this alteration is predicted to be tolerated by in silico analysis. Since supporting evidence is limited at this time, the clinical significance of this alteration remains unclear.

Color Diagnostics, LLC DBA Color Health
Classification: Uncertain significance for Hereditary cancer-predisposing syndrome. Last evaluated: 2024-03-06. Review status: criteria provided, single submitter. Criteria: ACMG Guidelines, 2015. Collection method: clinical testing. Allele origin: germline.
Comment: This missense variant replaces glutamine with histidine at codon 776 of the MSH6 protein. Computational prediction suggests that this variant may not impact protein structure and function (internally defined REVEL score threshold <= 0.5, PMID: 27666373). To our knowledge, functional studies have not been reported for this variant. This variant has not been reported in individuals affected with hereditary cancer in the literature. This variant has not been identified in the general population by the Genome Aggregation Database (gnomAD). The available evidence is insufficient to determine the role of this variant in disease conclusively. Therefore, this variant is classified as a Variant of Uncertain Significance.

GeneDx
Classification: Uncertain significance. Last evaluated: 2024-01-26. Review status: criteria provided, single submitter. Criteria: GeneDx Variant Classification Process June 2021. Collection method: clinical testing. Allele origin: germline. Affected: yes.
Comment: Not observed at significant frequency in large population cohorts (gnomAD); In silico analysis supports that this missense variant does not alter protein structure/function; Has not been previously published as pathogenic or benign to our knowledge; This variant is associated with the following publications: (PMID: 17531815, 21120944)

Women's Health and Genetics/Laboratory Corporation of America, LabCorp
Classification: Uncertain significance. Last evaluated: 2016-03-07. Review status: criteria provided, single submitter. Criteria: LabCorp Variant Classification Summary - May 2015. Collection method: clinical testing. Allele origin: germline.

NM_000179.3(MSH6):c.2328A>T (p.Gln776His)

Gene: MSH6 (mutS homolog 6; plus strand). Cytogenetic location: 2p16.3.
Variant type: single nucleotide variant.
Coding change: c.2328A>T on transcript NM_000179.3 (MANE Select); coding-DNA position 2328, A replaced by T.
Protein change: p.Gln776His; replaces glutamine 776 with histidine.
Molecular consequence: missense variant.
Genome position (GRCh38, 1-based): chr2:47,800,311, A>T. VCF-style: chr2-47800311-A-T. GRCh37 (hg19) VCF-style: chr2-48027450-A-T.
Other names: c.1938A>T, p.Gln646His (NM_001281492.2); c.1422A>T, p.Gln474His (NM_001281493.2, NM_001281494.2); short protein forms Q776H, Q646H, Q474H.
Identifiers: ClinVar variation 495707 (VCV000495707.22), dbSNP rs1463214972, ClinGen allele CA346753321.
Genomic context (GRCh38, chr2:47,800,311, plus strand): 5'-AACCCTACTAGAGAGGGTTGATACTTGCCATACTCCTTTTGGTAAGCGGCTCCTAAAGCA[A>T]TGGCTTTGTGCCCCACTCTGTAACCATTATGCTATTAATGATCGTCTAGATGCCATAGAA-3'
Protein context (NP_000170.1, residues 766-786): HTPFGKRLLK[Gln776His]WLCAPLCNHY